The following is an entry in ClinVar:

NM_006904.7(PRKDC):c.4981T>C (p.Phe1661Leu)

Gene: PRKDC (protein kinase, DNA-activated, catalytic subunit; minus strand). Cytogenetic location: 8q11.21.
Variant type: single nucleotide variant.
Coding change: c.4981T>C on transcript NM_006904.7 (MANE Select); coding-DNA position 4981, T replaced by C.
Protein change: p.Phe1661Leu; replaces phenylalanine 1661 with leucine.
Molecular consequence: missense variant.
Genome position (GRCh38, 1-based): chr8:47,881,502, A>G on the plus strand (T>C on the coding strand, the complement: PRKDC is on the minus strand). VCF-style: chr8-47881502-A-G. GRCh37 (hg19) VCF-style: chr8-48794063-A-G.
Other names: c.4981T>C, p.Phe1661Leu (NM_001081640.2); short protein forms F1661L.
Identifiers: ClinVar variation 3225866 (VCV003225866.1), dbSNP rs2551872564, ClinGen allele CA371140063.

ClinVar aggregate classification (germline): Uncertain significance (1 of 4 stars; one submission).

Submission:

Ambry Genetics
Classification: Uncertain significance. Last evaluated: 2023-11-19. Review status: criteria provided, single submitter. Criteria: Ambry Variant Classification Scheme 2023. Collection method: clinical testing. Allele origin: germline.
Comment: The p.F1661L variant (also known as c.4981T>C), located in coding exon 38 of the PRKDC gene, results from a T to C substitution at nucleotide position 4981. The phenylalanine at codon 1661 is replaced by leucine, an amino acid with highly similar properties. This amino acid position is conserved. In addition, the in silico prediction for this alteration is inconclusive. Since supporting evidence is limited at this time, the clinical significance of this alteration remains unclear.